The following is an entry in ClinVar:

NM_001042492.3(NF1):c.8016C>A (p.Cys2672Ter)

Gene: NF1 (neurofibromin 1; plus strand). Cytogenetic location: 17q11.2.
Variant type: single nucleotide variant.
Coding change: c.8016C>A on transcript NM_001042492.3 (MANE Select); coding-DNA position 8016, C replaced by A.
Protein change: p.Cys2672Ter; replaces cysteine 2672 with a stop codon.
Molecular consequence: nonsense.
Genome position (GRCh38, 1-based): chr17:31,358,525, C>A. VCF-style: chr17-31358525-C-A. GRCh37 (hg19) VCF-style: chr17-29685543-C-A.
Other names: c.7953C>A, p.Cys2651Ter (NM_000267.4); short protein forms C2651*, C2672*.
Identifiers: ClinVar variation 2635376 (VCV002635376.1), dbSNP rs779842988, ClinGen allele CA399203681.

ClinVar aggregate classification (germline): Pathogenic (1 of 4 stars; one submission).

Conditions:
NF1-related disorder. Also called: NF1-related condition. Identifiers: MedGen CN379171.

Submission:

PreventionGenetics, part of Exact Sciences
Classification: Pathogenic for NF1-related condition. Last evaluated: 2022-11-01. Review status: criteria provided, single submitter. Criteria: ACMG Guidelines, 2015. Collection method: clinical testing. Allele origin: germline.
Comment: The NF1 c.8016C>A variant is predicted to result in premature protein termination (p.Cys2672*). To our knowledge, this variant has not been reported in the literature or in a large population database, indicating this variant is rare. Nonsense variants in NF1 are expected to be pathogenic. This variant is interpreted as pathogenic.